The following is an entry in ClinVar:

ClinVar aggregate classification (germline): Uncertain significance (1 of 4 stars; one submission).

Conditions:
Xeroderma pigmentosum (XP). Identifiers: Orphanet 910, MedGen C0043346, MONDO:0019600.

Submission:

Sema4
Classification: Uncertain significance for Xeroderma pigmentosum. Last evaluated: 2021-09-26. Review status: criteria provided, single submitter. Criteria: Sema4 Curation Guidelines. Collection method: curation. Allele origin: germline.
Comment: The POLH c.134G>A (p.G45D) variant has not been reported in the literature to our knowledge. It was not observed in the large and broad cohorts of the Genome Aggregation Database, and has not been reported in ClinVar. In silico tools suggest the impact of the variant on protein function is deleterious, though these predictions have not been confirmed by functional studies. The evidence is insufficient to meet ACMG/AMP criteria for classifying the variant as benign or pathogenic. Thus, the clinical significance of this variant is currently uncertain.

NM_006502.3(POLH):c.134G>A (p.Gly45Asp)

Gene: POLH (DNA polymerase eta; plus strand). Cytogenetic location: 6p21.1.
Variant type: single nucleotide variant.
Coding change: c.134G>A on transcript NM_006502.3 (MANE Select); coding-DNA position 134, G replaced by A.
Protein change: p.Gly45Asp; replaces glycine 45 with aspartic acid.
Molecular consequence: missense variant. On other transcripts: intron variant (1).
Genome position (GRCh38, 1-based): chr6:43,582,453, G>A. VCF-style: chr6-43582453-G-A. GRCh37 (hg19) VCF-style: chr6-43550190-G-A.
Other names: c.134G>A, p.Gly45Asp (NM_001291970.2); c.-17-554G>A (NM_001291969.2); short protein forms G45D.
Identifiers: ClinVar variation 1692921 (VCV001692921.1), dbSNP rs2127773221, ClinGen allele CA364273118.
Genomic context (GRCh38, chr6:43,582,453, plus strand): 5'-AAAATCCTCATTTGAGGAATAAACCTTGTGCAGTTGTACAGTACAAATCATGGAAGGGTG[G>A]TGGGTATGTATCATTGTTATTGTCACAACTATTCAATGGTAACACAGTGGCACTGTGGCA-3'
Protein context (NP_006493.1, residues 35-55): AVVQYKSWKG[Gly45Asp]GIIAVSYEAR